The following is an entry in ClinVar:

NM_001987.5(ETV6):c.1318dup (p.Gln440fs)

Gene: ETV6 (ETS variant transcription factor 6; plus strand). Cytogenetic location: 12p13.2.
Variant type: Duplication.
Coding change: c.1318dup on transcript NM_001987.5 (MANE Select); coding-DNA position 1318, one base duplicated (C; older notation c.1318dupC).
Protein change: p.Gln440fs; shifts the reading frame from glutamine 440.
Molecular consequence: frameshift variant. On other transcripts: 3 prime UTR variant (1).
Genome position (GRCh38, 1-based): chr12:11,891,005, C duplicated; the last of 3 consecutive C bases (chr12:11,891,003-11,891,005); duplicating any one gives the same sequence. VCF-style (leftmost placement, unchanged base first): chr12-11891002-T-TC. GRCh37 (hg19) VCF-style: chr12-12043936-T-TC.
Other names: c.1315dup, p.Gln439fs (NM_001413913.1); c.1291dup, p.Gln431fs (NM_001413914.1); c.1054dup, p.Gln352fs (NM_001413915.1); c.*57dup (NM_001413917.1); c.1318dupC (NM_001987.4); short protein forms Q352fs, Q431fs, Q439fs, Q440fs.
Identifiers: ClinVar variation 4020064 (VCV004020064.1).

ClinVar aggregate classification (germline): Uncertain significance (1 of 4 stars; one submission).

Conditions:
Inborn genetic diseases. Identifiers: MedGen C0950123, MeSH D030342.

Submission:

Ambry Genetics
Classification: Uncertain significance for Inborn genetic diseases. Last evaluated: 2025-05-09. Review status: criteria provided, single submitter. Criteria: Ambry Variant Classification Scheme 2023. Collection method: clinical testing. Allele origin: germline.
Comment: The c.1318dupC variant, located in coding exon 8 of the ETV6 gene, results from a duplication of C at nucleotide position 1318, causing a translational frameshift with a predicted alternate stop codon (p.Q440Pfs*5). This alteration occurs at the 3' terminus of theETV6 gene, is not expected to trigger nonsense-mediated mRNAdecay, and impacts the last 2.9% of the protein. The exact functional effect of this alteration is unknown. Based on the available evidence, the clinical significance of this variant remains unclear.